The following is an entry in ClinVar:

NM_005297.4(MCHR1):c.-56C>T

Gene: MCHR1 (melanin concentrating hormone receptor 1; plus strand). Cytogenetic location: 22q13.2.
Variant type: single nucleotide variant.
Coding change: c.-56C>T on transcript NM_005297.4 (MANE Select); 56 bases upstream of the start codon, C replaced by T.
Molecular consequence: 5 prime UTR variant.
Genome position (GRCh38, 1-based): chr22:40,679,597, C>T. VCF-style: chr22-40679597-C-T. GRCh37 (hg19) VCF-style: chr22-41075601-C-T.
Identifiers: ClinVar variation 3348007 (VCV003348007.1).

ClinVar aggregate classification (germline): Uncertain significance (0 of 4 stars; one submission).

Conditions:
MCHR1-related disorder. Also called: MCHR1-related condition.

Submission:

PreventionGenetics, part of Exact Sciences
Classification: Uncertain significance for MCHR1-related condition. Last evaluated: 2024-08-23. Review status: no assertion criteria provided. Collection method: clinical testing. Allele origin: germline.
Comment: The MCHR1 c.152C>T variant is predicted to result in the amino acid substitution p.Ala51Val. To our knowledge, this variant has not been reported in the literature. This variant is reported in 0.0018% of alleles in individuals of European (Non-Finnish) descent in gnomAD. At this time, the clinical significance of this variant is uncertain due to the absence of conclusive functional and genetic evidence.